The following is an entry in ClinVar:

NM_001162501.2(TNRC6B):c.4520G>T (p.Gly1507Val)

Gene: TNRC6B (trinucleotide repeat containing adaptor 6B; plus strand). Cytogenetic location: 22q13.1.
Variant type: single nucleotide variant.
Coding change: c.4520G>T on transcript NM_001162501.2 (MANE Select); coding-DNA position 4520, G replaced by T.
Protein change: p.Gly1507Val; replaces glycine 1507 with valine.
Molecular consequence: missense variant.
Genome position (GRCh38, 1-based): chr22:40,312,589, G>T. VCF-style: chr22-40312589-G-T. GRCh37 (hg19) VCF-style: chr22-40708593-G-T.
Other names: c.2108G>T, p.Gly703Val (NM_001024843.2); c.4190G>T, p.Gly1397Val (NM_015088.3); short protein forms G1397V, G1507V, G703V.
Identifiers: ClinVar variation 4886215 (VCV004886215.2).

ClinVar aggregate classification (germline): Uncertain significance (1 of 4 stars; one submission).

Submission:

Dasa
Classification: Uncertain significance. Last evaluated: 2026-04-23. Review status: criteria provided, single submitter. Criteria: DASA Assertion Criteria. Collection method: clinical testing. Allele origin: germline.
Comment: NM_001162501.2(TNRC6B):c.4520G>T (p.Gly1507Val) is a missense variant that results in the substitution of glycine with valine. This variant is rare in population databases. The currently available literature and clinical evidence are not sufficient to establish a definitive association between this variant and the reported condition. Therefore, this variant is classified as a variant of uncertain significance.